The following is an entry in ClinVar:

NM_001277313.2(FMN1):c.2718G>A (p.Pro906=)

Gene: FMN1 (formin 1; minus strand). Cytogenetic location: 15q13.3.
Variant type: single nucleotide variant.
Coding change: c.2718G>A on transcript NM_001277313.2 (MANE Select); coding-DNA position 2718, G replaced by A.
Protein change: p.Pro906=; no amino-acid change (proline 906 retained).
Molecular consequence: synonymous variant.
Genome position (GRCh38, 1-based): chr15:32,968,983, C>T on the plus strand (G>A on the coding strand, the complement: FMN1 is on the minus strand). VCF-style: chr15-32968983-C-T. GRCh37 (hg19) VCF-style: chr15-33261184-C-T.
Other names: c.2049G>A (NM_001103184.3); c.2049G>A, p.Pro683= (NM_001103184.4).
Identifiers: ClinVar variation 288045 (VCV000288045.10), dbSNP rs370019638, ClinGen allele CA7456885.

ClinVar aggregate classification (germline): Benign. Review status: criteria provided, multiple submitters, no conflicts (2 of 4 stars). 4 submissions from 4 submitters: Benign (3). 1 of the submissions does not count toward it. Last evaluated 2025-07-29.

Conditions:
FMN1-related disorder. Also called: FMN1-related condition.

Allele frequency attached by ClinVar (database versions not stated): 1000 Genomes Project 30x 0.00016; gnomAD 0.00077 and 0.00075; ESP Exome Variant Server 0.00025; 1000 Genomes Project 0.00020; ExAC 0.00214.
gnomAD v4.1: 721 of 999,484 alleles (0.072%); highest among the groups gnomAD compares: Middle Eastern, 0.48%; 3 homozygotes.

Submissions (4):

Labcorp Genetics (formerly Invitae), Labcorp
Classification: Benign. Last evaluated: 2025-07-29. Review status: criteria provided, single submitter. Criteria: Invitae Variant Classification Sherloc (09022015). Collection method: clinical testing. Allele origin: germline.

Eurofins Ntd Llc (ga)
Classification: Benign. Last evaluated: 2017-12-19. Review status: criteria provided, single submitter. Criteria: EGL Classification Definitions 2015. Collection method: clinical testing. Allele origin: germline. Observed: 2 variant alleles, 2 heterozygotes.

Breakthrough Genomics
Classification: Benign. Review status: criteria provided, single submitter. Criteria: ACMG Guidelines, 2015. Collection method: not provided. Allele origin: germline. Inheritance: Unknown mechanism. Affected: yes.

PreventionGenetics, part of Exact Sciences
Classification: Likely benign for FMN1-related condition. Last evaluated: 2024-06-10. Review status: no assertion criteria provided. Collection method: clinical testing. Allele origin: germline. Not counted in ClinVar's aggregate classification.
Comment: This variant is classified as likely benign based on ACMG/AMP sequence variant interpretation guidelines (Richards et al. 2015 PMID: 25741868, with internal and published modifications).